The following is an entry in ClinVar:

ClinVar aggregate classification (germline): Likely pathogenic (1 of 4 stars; one submission).

Conditions:
Retinitis pigmentosa (RP). Identifiers: Orphanet 791, MedGen C0035334, MeSH D012174, MONDO:0019200, OMIM 268000. Inheritance: Autosomal dominant, autosomal recessive and X linked inheritance.

Submission:

Women's Health and Genetics/Laboratory Corporation of America, LabCorp
Classification: Likely pathogenic for Retinitis pigmentosa. Last evaluated: 2022-04-15. Review status: criteria provided, single submitter. Criteria: LabCorp Variant Classification Summary - May 2015. Collection method: clinical testing. Allele origin: germline.
Comment: Variant summary: EYS c.8628dupG (p.Thr2877AspfsX13) located in the last exon results in a premature termination codon, predicted to cause a truncation of the encoded protein or absence of the protein due to nonsense mediated decay, which are commonly known mechanisms for disease. Truncations downstream of this position have not been observed at our laboratory but have been reported in association with Retinitis Pigmentosa in the HGMD database. The variant was absent in 157004 control chromosomes. To our knowledge, no occurrence of c.8628dupG in individuals affected with Retinitis Pigmentosa and no experimental evidence demonstrating its impact on protein function have been reported. No clinical diagnostic laboratories have submitted clinical-significance assessments for this variant to ClinVar after 2014. Based on the evidence outlined above, the variant was classified as likely pathogenic.

NM_001142800.2(EYS):c.8628dup (p.Thr2877fs)

Genes: EYS (EGF-like photoreceptor maintenance factor; minus strand), PHF3 (PHD finger protein 3; plus strand). Cytogenetic location: 6q12.
Variant type: Duplication.
Coding change: c.8628dup on transcript NM_001142800.2 (MANE Select); coding-DNA position 8628, one base duplicated (G; older notation c.8628dupG).
Protein change: p.Thr2877fs; shifts the reading frame from threonine 2877.
Molecular consequence: frameshift variant. On other transcripts: 3 prime UTR variant (5).
Genome position (GRCh38, 1-based): chr6:63,721,403, C duplicated on the plus strand (G on the coding strand, the reverse complement: EYS is on the minus strand); the first of 3 consecutive C bases (chr6:63,721,403-63,721,405); duplicating any one gives the same sequence. VCF-style (leftmost placement, unchanged base first): chr6-63721402-T-TC. GRCh37 (hg19) VCF-style: chr6-64431298-T-TC.
Other names: c.*7697dup (NM_001290259.2, NM_001370348.2, NM_001370349.2 and 2 more transcripts); c.8691dup, p.Thr2898fs (NM_001292009.2); short protein forms T2877fs, T2898fs.
Identifiers: ClinVar variation 1683284 (VCV001683284.1), dbSNP rs2149624980, ClinGen allele CA2573141296.